The following is an entry in ClinVar:

ClinVar aggregate classification (germline): Likely pathogenic (1 of 4 stars; one submission).

Conditions:
Salla disease (SD). Also called: Sialuria, Finnish type; N-acetylneuraminic acid (NANA) storage disease (NSD); Infantile sialic acid storage disorder (ISSD); Less Severe FSASD (Salla Disease). Identifiers: Orphanet 309334, Orphanet 834, MedGen C1096903, MONDO:0011449, OMIM 604369.

Submission:

Labcorp Genetics (formerly Invitae), Labcorp
Classification: Likely pathogenic for Salla disease. Last evaluated: 2023-05-09. Review status: criteria provided, single submitter. Criteria: Invitae Variant Classification Sherloc (09022015). Collection method: clinical testing. Allele origin: unknown.
Comment: In summary, the currently available evidence indicates that the variant is pathogenic, but additional data are needed to prove that conclusively. Therefore, this variant has been classified as Likely Pathogenic. This variant has not been reported in the literature in individuals affected with SLC17A5-related conditions. This variant results in the deletion of exon 5 and part of exon 6 of the SLC17A5 gene. It is expected to disrupt RNA splicing. Variants that disrupt the donor or acceptor splice site typically lead to a loss of protein function (PMID: 16199547), and loss-of-function variants in SLC17A5 are known to be pathogenic (PMID: 10581036, 10947946, 15172001).

Literature cited by the submitters: PubMed 16199547; PubMed 10581036; PubMed 10947946; PubMed 15172001.

NC_000006.11:g.(?_74345119)_(74347569_?)del

Gene: SLC17A5 (solute carrier family 17 member 5; minus strand). Cytogenetic location: 6q13.
Variant type: Deletion.
Identifiers: ClinVar variation 3245985 (VCV003245985.1).